The following is an entry in ClinVar:

NM_000051.4(ATM):c.278A>G (p.Lys93Arg)

Gene: ATM (ATM serine/threonine kinase; plus strand). Cytogenetic location: 11q22.3.
Variant type: single nucleotide variant.
Coding change: c.278A>G on transcript NM_000051.4 (MANE Select); coding-DNA position 278, A replaced by G.
Protein change: p.Lys93Arg; replaces lysine 93 with arginine.
Molecular consequence: missense variant.
Genome position (GRCh38, 1-based): chr11:108,229,270, A>G. VCF-style: chr11-108229270-A-G. GRCh37 (hg19) VCF-style: chr11-108099997-A-G.
Other names: c.278A>G, p.Lys93Arg (NM_001351834.2, NM_001351835.2, NM_001351836.2); short protein forms K93R.
Identifiers: ClinVar variation 2561433 (VCV002561433.2), dbSNP rs2135036215, ClinGen allele CA382521673.

ClinVar aggregate classification (germline): Uncertain significance (1 of 4 stars; one submission).

Conditions:
Hereditary cancer-predisposing syndrome. Also called: Neoplastic Syndromes, Hereditary; Hereditary Cancer Syndrome; Hereditary neoplastic syndrome; Tumor predisposition. Identifiers: Orphanet 140162, MedGen C0027672, MeSH D009386, MONDO:0015356.

Submission:

Ambry Genetics
Classification: Uncertain significance for Hereditary cancer-predisposing syndrome. Last evaluated: 2023-04-14. Review status: criteria provided, single submitter. Criteria: Ambry Variant Classification Scheme 2023. Collection method: clinical testing. Allele origin: germline.
Comment: The p.K93R variant (also known as c.278A>G), located in coding exon 3 of the ATM gene, results from an A to G substitution at nucleotide position 278. The lysine at codon 93 is replaced by arginine, an amino acid with highly similar properties. This amino acid position is highly conserved in available vertebrate species. In addition, this alteration is predicted to be tolerated by in silico analysis. Since supporting evidence is limited at this time, the clinical significance of this alteration remains unclear.